The following is an entry in ClinVar:

ClinVar aggregate classification (germline): Uncertain significance. Review status: criteria provided, multiple submitters, no conflicts (2 of 4 stars). 2 submissions from 2 submitters: Uncertain significance (2). Last evaluated 2025-10-02.

Conditions:
Ullrich congenital muscular dystrophy 2 (UCMD2). Identifiers: Orphanet 75840, MedGen C4225314, MONDO:0014654, OMIM 616470.
Bethlem myopathy 2 (BTHLM2). Identifiers: Orphanet 536516, Orphanet 610, MedGen C4225313, MONDO:0034022, OMIM 616471.

gnomAD v4.1: 2 of 1,613,956 alleles (0.00012%); highest among the groups gnomAD compares: Non-Finnish European, 0.00017%; no homozygotes.

Submissions (2):

Labcorp Genetics (formerly Invitae), Labcorp
Classification: Uncertain significance for Bethlem myopathy 2; Ullrich congenital muscular dystrophy 2. Last evaluated: 2025-10-02. Review status: criteria provided, single submitter. Criteria: Invitae Variant Classification Sherloc (09022015). Collection method: clinical testing. Allele origin: germline.
Comment: This sequence change replaces glycine, which is neutral and non-polar, with alanine, which is neutral and non-polar, at codon 2869 of the COL12A1 protein (p.Gly2869Ala). This variant is not present in population databases (gnomAD no frequency). This variant has not been reported in the literature in individuals affected with COL12A1-related conditions. ClinVar contains an entry for this variant (Variation ID: 3752568). An algorithm developed to predict the effect of missense changes on protein structure and function (PolyPhen-2) suggests that this variant is likely to be disruptive. In summary, the available evidence is currently insufficient to determine the role of this variant in disease. Therefore, it has been classified as a Variant of Uncertain Significance.

Women's Health and Genetics/Laboratory Corporation of America, LabCorp
Classification: Uncertain significance. Last evaluated: 2025-05-28. Review status: criteria provided, single submitter. Criteria: LabCorp Variant Classification Summary - May 2015. Collection method: clinical testing. Allele origin: germline.
Comment: Variant summary: COL12A1 c.8606G>C (p.Gly2869Ala) results in a non-conservative amino acid change in the encoded protein sequence. Algorithms developed to predict the effect of missense changes on protein structure and function all suggest that this variant is likely to be disruptive. The variant was absent in 249388 control chromosomes. The available data on variant occurrences in the general population are insufficient to allow any conclusion about variant significance. To our knowledge, no occurrence of c.8606G>C in individuals affected with Ullrich congenital muscular dystrophy 2 and no experimental evidence demonstrating its impact on protein function have been reported. ClinVar contains an entry for this variant (Variation ID: 3752568). Based on the evidence outlined above, the variant was classified as uncertain significance.

NM_004370.6(COL12A1):c.8606G>C (p.Gly2869Ala)

Gene: COL12A1 (collagen type XII alpha 1 chain; minus strand). Cytogenetic location: 6q13.
Variant type: single nucleotide variant.
Coding change: c.8606G>C on transcript NM_004370.6 (MANE Select); coding-DNA position 8606, G replaced by C.
Protein change: p.Gly2869Ala; replaces glycine 2869 with alanine.
Molecular consequence: missense variant.
Genome position (GRCh38, 1-based): chr6:75,095,151, C>G on the plus strand (G>C on the coding strand, the complement: COL12A1 is on the minus strand). VCF-style: chr6-75095151-C-G. GRCh37 (hg19) VCF-style: chr6-75804867-C-G.
Other names: c.8606G>C, p.Gly2869Ala (NM_001424113.1); c.8585G>C, p.Gly2862Ala (NM_001424114.1); c.8333G>C, p.Gly2778Ala (NM_001424115.1); c.5114G>C, p.Gly1705Ala (NM_001424116.1, NM_080645.3); short protein forms G1705A, G2778A, G2862A, G2869A.
Identifiers: ClinVar variation 3752568 (VCV003752568.3).